The following is an entry in ClinVar:

ClinVar aggregate classification (germline): Uncertain significance (1 of 4 stars; one submission).

Conditions:
Inborn genetic diseases. Identifiers: MedGen C0950123, MeSH D030342.

gnomAD v4.1: 4 of 1,614,074 alleles (0.00025%); highest among the groups gnomAD compares: Non-Finnish European, 0.00034%; no homozygotes.

Submission:

Ambry Genetics
Classification: Uncertain significance for Inborn genetic diseases. Last evaluated: 2025-03-07. Review status: criteria provided, single submitter. Criteria: Ambry Variant Classification Scheme 2023. Collection method: clinical testing. Allele origin: germline.
Comment: The c.1590C>T variant (also known as p.G530G), located in coding exon 15 of the DDX41 gene, results from a C to T substitution at nucleotide position 1590. This nucleotide substitution does not change the amino acid at codon 530. This nucleotide position is not well conserved in available vertebrate species. In silico splice site analysis predicts that this alteration will result in the creation or strengthening of a novel splice donor site; however, direct evidence is insufficient at this time (Ambry internal data). Based on the available evidence, the clinical significance of this variant remains unclear.

NM_016222.4(DDX41):c.1590C>T (p.Gly530=)

Gene: DDX41 (DEAD-box helicase 41; minus strand). Cytogenetic location: 5q35.3.
Variant type: single nucleotide variant.
Coding change: c.1590C>T on transcript NM_016222.4 (MANE Select); coding-DNA position 1590, C replaced by T.
Protein change: p.Gly530=; no amino-acid change (glycine 530 retained).
Molecular consequence: synonymous variant.
Genome position (GRCh38, 1-based): chr5:177,512,353, G>A on the plus strand (C>T on the coding strand, the complement: DDX41 is on the minus strand). VCF-style: chr5-177512353-G-A. GRCh37 (hg19) VCF-style: chr5-176939354-G-A.
Other names: c.1212C>T, p.Gly404= (NM_001321732.2, NM_001321830.2).
Identifiers: ClinVar variation 3839048 (VCV003839048.1).